The following is an entry in ClinVar:

ClinVar aggregate classification (germline): Uncertain significance (1 of 4 stars; one submission).

Conditions:
Chédiak-Higashi syndrome (CHS). Also called: Chediak-Higashi Syndrome. Identifiers: Orphanet 167, MedGen C0007965, MONDO:0008963, OMIM 214500.

Submission:

Labcorp Genetics (formerly Invitae), Labcorp
Classification: Uncertain significance for Chédiak-Higashi syndrome. Last evaluated: 2022-07-11. Review status: criteria provided, single submitter. Criteria: Invitae Variant Classification Sherloc (09022015). Collection method: clinical testing. Allele origin: germline.
Comment: In summary, the available evidence is currently insufficient to determine the role of this variant in disease. Therefore, it has been classified as a Variant of Uncertain Significance. Experimental studies and prediction algorithms are not available or were not evaluated, and the functional significance of this variant is currently unknown. This variant has not been reported in the literature in individuals affected with LYST-related conditions. This variant is not present in population databases (gnomAD no frequency). This variant, c.8952_8954del, results in the deletion of 1 amino acid(s) of the LYST protein (p.Val2985del), but otherwise preserves the integrity of the reading frame.

NM_000081.4(LYST):c.8949TGT[1] (p.Val2985del)

Gene: LYST (lysosomal trafficking regulator; minus strand). Cytogenetic location: 1q42.3.
Variant type: Microsatellite.
Coding change: c.8949TGT[1] on transcript NM_000081.4 (MANE Select); one copy of the 3-base unit TGT starting at c.8949; the reference has two copies in a row; one copy, 3 bases deleted.
Protein change: p.Val2985del; deletes valine 2985.
Molecular consequence: inframe deletion.
Genome position (GRCh38, 1-based): chr1:235,730,937-235,730,939, ACA deleted on the plus strand (TGT on the coding strand, the reverse complement: LYST is on the minus strand); deleting any 3 consecutive bases within chr1:235,730,937-235,730,942 gives the same sequence; the position shown is the placement nearest the transcript's 3' end. VCF-style (leftmost placement, unchanged base first): chr1-235730936-GACA-G. GRCh37 (hg19) VCF-style: chr1-235894236-GACA-G.
Other names: c.8949TGT[1], p.Val2985del (NM_001301365.1); short protein forms V2985del.
Identifiers: ClinVar variation 2016148 (VCV002016148.4), dbSNP rs2527529669, ClinGen allele CA2580611564.